The following is an entry in ClinVar:

NM_198428.3(BBS9):c.752T>C (p.Val251Ala)

Gene: BBS9 (Bardet-Biedl syndrome 9; plus strand). Cytogenetic location: 7p14.3.
Variant type: single nucleotide variant.
Coding change: c.752T>C on transcript NM_198428.3 (MANE Select); coding-DNA position 752, T replaced by C.
Protein change: p.Val251Ala; replaces valine 251 with alanine.
Molecular consequence: missense variant. On other transcripts: non-coding transcript variant (3).
Genome position (GRCh38, 1-based): chr7:33,273,061, T>C. VCF-style: chr7-33273061-T-C. GRCh37 (hg19) VCF-style: chr7-33312673-T-C.
Other names: c.752T>C, p.Val251Ala (NM_001033604.2, NM_001033605.2, NM_001348036.1 and 5 more transcripts); c.386T>C, p.Val129Ala (NM_001348037.3, NM_001348044.3, NM_001348045.3 and 1 more transcripts); c.479T>C, p.Val160Ala (NM_001348038.3, NM_001348039.3); c.617T>C, p.Val206Ala (NM_001348042.3); short protein forms V129A, V160A, V206A, V251A.
Identifiers: ClinVar variation 3357498 (VCV003357498.1).

ClinVar aggregate classification (germline): Uncertain significance (0 of 4 stars; one submission).

Conditions:
BBS9-related disorder. Also called: BBS9-related condition.

gnomAD v4.1: 1 of 1,613,692 alleles (0.000062%); highest among the groups gnomAD compares: Admixed American, 0.0017%; no homozygotes.

Submission:

PreventionGenetics, part of Exact Sciences
Classification: Uncertain significance for BBS9-related condition. Last evaluated: 2024-05-28. Review status: no assertion criteria provided. Collection method: clinical testing. Allele origin: germline.
Comment: The BBS9 c.752T>C variant is predicted to result in the amino acid substitution p.Val251Ala. To our knowledge, this variant has not been reported in the literature or in a large population database, indicating this variant is rare. At this time, the clinical significance of this variant is uncertain due to the absence of conclusive functional and genetic evidence.